The following is an entry in ClinVar:

NM_000321.3(RB1):c.2212-29T>C

Gene: RB1 (RB transcriptional corepressor 1; plus strand). Cytogenetic location: 13q14.2.
Variant type: single nucleotide variant.
Coding change: c.2212-29T>C on transcript NM_000321.3 (MANE Select); 29 bases into the intron before coding-DNA position 2212, T replaced by C.
Molecular consequence: intron variant.
Genome position (GRCh38, 1-based): chr13:48,464,969, T>C. VCF-style: chr13-48464969-T-C. GRCh37 (hg19) VCF-style: chr13-49039105-T-C.
Other names: c.2212-29T>C (NM_001407165.1).
Identifiers: ClinVar variation 4759373 (VCV004759373.1), dbSNP rs2542374910.

ClinVar aggregate classification (germline): Likely benign (1 of 4 stars; one submission).

Conditions:
Hereditary retinoblastoma. Identifiers: Orphanet 357027, MedGen C0751483, MONDO:0018160.

gnomAD v4.1: 1 of 1,373,564 alleles (0.000073%); highest among the groups gnomAD compares: South Asian, 0.0014%; no homozygotes.

Submission:

Ramesar Group, Division of Human Genetics, Institute of Infectious Diseases and Molecular Medicine, UCT/MRC Genomic and Precision Medicine Research Unit, University of Cape Town
Classification: Likely benign for Hereditary retinoblastoma. Last evaluated: 2025-09-17. Review status: criteria provided, single submitter. Criteria: ACMG Guidelines, 2015. Collection method: research. Allele origin: germline. Affected: no.
Comment: BP5 - Variant found in a patient with a different retinal disease; RB1 is not associated with the phenotype BP7 - A non-coding variant with no predicted effect on splicing (SpliceAI scores are negligible)